The following is an entry in ClinVar:

NM_014476.6(PDLIM3):c.800G>A (p.Arg267His)

Gene: PDLIM3 (PDZ and LIM domain 3; minus strand). Cytogenetic location: 4q35.1.
Variant type: single nucleotide variant.
Coding change: c.800G>A on transcript NM_014476.6 (MANE Select); coding-DNA position 800, G replaced by A.
Protein change: p.Arg267His; replaces arginine 267 with histidine.
Molecular consequence: missense variant. On other transcripts: non-coding transcript variant (1).
Genome position (GRCh38, 1-based): chr4:185,504,580, C>T on the plus strand (G>A on the coding strand, the complement: PDLIM3 is on the minus strand). VCF-style: chr4-185504580-C-T. GRCh37 (hg19) VCF-style: chr4-186425734-C-T.
Other names: c.656G>A, p.Arg219His (NM_001114107.5); c.536G>A, p.Arg179His (NM_001257962.2); c.299G>A, p.Arg100His (NM_001257963.2); short protein forms R100H, R179H, R267H, R219H.
Identifiers: ClinVar variation 2043032 (VCV002043032.4), dbSNP rs539118406, ClinGen allele CA3159683.

ClinVar aggregate classification (germline): Uncertain significance (1 of 4 stars; one submission).

Conditions:
Primary dilated cardiomyopathy (DCM). Also called: Dilated Cardiomyopathy. Identifiers: Orphanet 217604, MedGen C0007193, MeSH D002311, MONDO:0005021, HP:0001644. Inheritance: Various modes of inheritance.
Hypertrophic cardiomyopathy. Also called: HYPERTROPHIC MYOCARDIOPATHY. Identifiers: Orphanet 217569, MedGen C0007194, MeSH D002312, MONDO:0005045, HP:0001639.

Allele frequency attached by ClinVar (database versions not stated): gnomAD 0.00001; 1000 Genomes Project 30x 0.00016; ExAC 0.00003; 1000 Genomes Project 0.00020.
gnomAD v4.1: 27 of 1,613,526 alleles (0.0017%); highest among the groups gnomAD compares: East Asian, 0.0067%; no homozygotes.

Submission:

Labcorp Genetics (formerly Invitae), Labcorp
Classification: Uncertain significance for Hypertrophic cardiomyopathy; Primary dilated cardiomyopathy. Last evaluated: 2025-12-31. Review status: criteria provided, single submitter. Criteria: Invitae Variant Classification Sherloc (09022015). Collection method: clinical testing. Allele origin: germline.
Comment: This sequence change replaces arginine, which is basic and polar, with histidine, which is basic and polar, at codon 267 of the PDLIM3 protein (p.Arg267His). This variant is present in population databases (rs539118406, gnomAD 0.006%). This missense change has been observed in individual(s) with dilated cardiomyopathy (PMID: 31983221). ClinVar contains an entry for this variant (Variation ID: 2043032). Invitae Evidence Modeling of protein sequence and biophysical properties (such as structural, functional, and spatial information, amino acid conservation, physicochemical variation, residue mobility, and thermodynamic stability) indicates that this missense variant is not expected to disrupt PDLIM3 protein function with a negative predictive value of 80%. In summary, the available evidence is currently insufficient to determine the role of this variant in disease. Therefore, it has been classified as a Variant of Uncertain Significance.

Literature cited by the submitters: PubMed 31983221.